The following is an entry in ClinVar:

NM_000179.3(MSH6):c.103G>C (p.Ala35Pro)

Gene: MSH6 (mutS homolog 6; plus strand). Cytogenetic location: 2p16.3.
Variant type: single nucleotide variant.
Coding change: c.103G>C on transcript NM_000179.3 (MANE Select); coding-DNA position 103, G replaced by C.
Protein change: p.Ala35Pro; replaces alanine 35 with proline.
Molecular consequence: missense variant. On other transcripts: 5 prime UTR variant (7), non-coding transcript variant (5), intron variant (5), synonymous variant (1).
Genome position (GRCh38, 1-based): chr2:47,783,336, G>C. VCF-style: chr2-47783336-G-C. GRCh37 (hg19) VCF-style: chr2-48010475-G-C.
Other names: c.-481G>C (NM_001406812.1); c.103G>C, p.Ala35Pro (NM_001406813.1, NM_001406817.1, NM_001407362.1 and 9 more transcripts); c.-892G>C (NM_001406814.1); c.-437G>C (NM_001406816.1); c.-38+105G>C (NM_001406805.1, NM_001406797.1, NM_001406801.1); c.-634G>C (NM_001281493.2, NM_001406811.1); c.-226G>C (NM_001406799.1); c.48G>C, p.Pro16= (NM_001406804.1); and 3 more; short protein forms A35P.
Identifiers: ClinVar variation 3633903 (VCV003633903.3).

ClinVar aggregate classification (germline): Uncertain significance. Review status: criteria provided, multiple submitters, no conflicts (2 of 4 stars). 2 submissions from 2 submitters: Uncertain significance (2). Last evaluated 2024-06-10.

Conditions:
Lynch syndrome. Identifiers: Orphanet 144, MedGen C4552100, MONDO:0005835. Disease mechanism: loss of function.
Hereditary nonpolyposis colorectal neoplasms. Identifiers: MedGen C0009405, MeSH D003123.

Submissions (2):

Labcorp Genetics (formerly Invitae), Labcorp
Classification: Uncertain significance for Hereditary nonpolyposis colorectal neoplasms. Last evaluated: 2024-06-10. Review status: criteria provided, single submitter. Criteria: Invitae Variant Classification Sherloc (09022015). Collection method: clinical testing. Allele origin: germline.
Comment: This sequence change replaces alanine, which is neutral and non-polar, with proline, which is neutral and non-polar, at codon 35 of the MSH6 protein (p.Ala35Pro). This variant is not present in population databases (gnomAD no frequency). This variant has not been reported in the literature in individuals affected with MSH6-related conditions. Advanced modeling of protein sequence and biophysical properties (such as structural, functional, and spatial information, amino acid conservation, physicochemical variation, residue mobility, and thermodynamic stability) performed at Invitae indicates that this missense variant is not expected to disrupt MSH6 protein function with a negative predictive value of 95%. In summary, the available evidence is currently insufficient to determine the role of this variant in disease. Therefore, it has been classified as a Variant of Uncertain Significance.

Department of Pathology and Laboratory Medicine, Sinai Health System
Classification: Uncertain significance for Lynch syndrome. Last evaluated: 2022-02-01. Review status: criteria provided, single submitter. Criteria: ACMG Guidelines, 2015. Collection method: clinical testing. Allele origin: germline. Affected: yes.